The following is an entry in ClinVar:

NM_004618.5(TOP3A):c.2072T>G (p.Leu691Arg)

Gene: TOP3A (DNA topoisomerase III alpha; minus strand). Cytogenetic location: 17p11.2.
Variant type: single nucleotide variant.
Coding change: c.2072T>G on transcript NM_004618.5 (MANE Select); coding-DNA position 2072, T replaced by G.
Protein change: p.Leu691Arg; replaces leucine 691 with arginine.
Molecular consequence: missense variant.
Genome position (GRCh38, 1-based): chr17:18,280,608, A>C on the plus strand (T>G on the coding strand, the complement: TOP3A is on the minus strand). VCF-style: chr17-18280608-A-C. GRCh37 (hg19) VCF-style: chr17-18183922-A-C.
Other names: p.Leu691Arg; c.1787T>G, p.Leu596Arg (NM_001320759.2); short protein forms L596R, L691R.
Identifiers: ClinVar variation 4879975 (VCV004879975.1).

ClinVar aggregate classification (germline): Uncertain significance (1 of 4 stars; one submission).

Conditions:
Progressive external ophthalmoplegia with mitochondrial DNA deletions, autosomal recessive 5. Also called: PROGRESSIVE EXTERNAL OPHTHALMOPLEGIA, AUTOSOMAL RECESSIVE 5. Identifiers: MedGen C4748184, MONDO:0020845, OMIM 618098.

gnomAD v4.1: 3 of 1,614,138 alleles (0.00019%); highest among the groups gnomAD compares: South Asian, 0.0033%; no homozygotes.

Submission:

Foundation for Research in Genetics and Endocrinology, FRIGE's Institute of Human Genetics
Classification: Uncertain significance for Progressive external ophthalmoplegia with mitochondrial DNA deletions, autosomal recessive 5. Last evaluated: 2026-06-16. Review status: criteria provided, single submitter. Criteria: ACMG Guidelines, 2015. Collection method: clinical testing. Allele origin: germline. Inheritance: Autosomal recessive inheritance. Affected: yes. Observed: 1 variant allele, 1 homozygote.
Comment: A homozygous missense variant in exon 17 of the TOP3A gene that results in the amino acid substitution of Arginine for Leucine at codon 691 (p.Leu691Arg) was detected. The variant has not been reported in the 1000 genomes and gnomAD (v3.1) databases and has a minor allele frequency of 0.001% and 0.0003% in the gnomAD (v2.1) and topmed databases respectively. The in-silico predictions of the variant are probably damaging by PolyPhen-2 and damaging by SIFT, LRT and CONDEL. The reference codon is conserved across species. In summary, the variant meets our criteria to be classified as variant of uncertain significance.